The following is an entry in ClinVar:

NM_002180.3(IGHMBP2):c.1488C>A (p.Cys496Ter)

Gene: IGHMBP2 (immunoglobulin mu DNA binding protein 2; plus strand). Cytogenetic location: 11q13.3.
Variant type: single nucleotide variant.
Coding change: c.1488C>A on transcript NM_002180.3 (MANE Select); coding-DNA position 1488, C replaced by A.
Protein change: p.Cys496Ter; replaces cysteine 496 with a stop codon.
Molecular consequence: nonsense.
Genome position (GRCh38, 1-based): chr11:68,933,864, C>A. VCF-style: chr11-68933864-C-A. GRCh37 (hg19) VCF-style: chr11-68701332-C-A.
Other names: short protein forms C496*.
Identifiers: ClinVar variation 234316 (VCV000234316.53), dbSNP rs145226920, ClinGen allele CA6153662.
Genomic context (GRCh38, chr11:68,933,864, plus strand): 5'-AGGTGTGGCTGCCACAGAAGAGACGGGTGTGCCCCTGCTCTTGGTGGACACCGCCGGCTG[C>A]GGGCTGTTTGAGCTGGAGGAGGAGGACGAACAGTCGAAAGGGAACCCTGGTGAGCTTGCT-3'

ClinVar aggregate classification (germline): Pathogenic/Likely pathogenic. Review status: criteria provided, multiple submitters, no conflicts (2 of 4 stars). 22 submissions from 22 submitters: Pathogenic (17); Likely pathogenic (1). 4 of the submissions do not count toward it. Last evaluated 2026-03-19.

Conditions:
IGHMBP2-related disorder. Also called: IGHMBP2-related condition; IGHMBP2-related disorders.
Neurodevelopmental disorder. Identifiers: MedGen C1535926, MeSH D065886, MONDO:0700092.
Inborn genetic diseases. Identifiers: MedGen C0950123, MeSH D030342.
Charcot-Marie-Tooth disease axonal type 2S. Also called: CHARCOT-MARIE-TOOTH DISEASE, AXONAL, AUTOSOMAL RECESSIVE, TYPE 2S; CHARCOT-MARIE-TOOTH NEUROPATHY, TYPE 2S. Identifiers: Orphanet 443073, MedGen C4015349, MONDO:0014511, OMIM 616155.
Autosomal recessive distal spinal muscular atrophy 1. Also called: NEURONOPATHY, DISTAL HEREDITARY MOTOR, HARDING TYPE VI; NEUROPATHY, DISTAL HEREDITARY MOTOR, AUTOSOMAL RECESSIVE 1; NEURONOPATHY, SEVERE INFANTILE AXONAL, WITH RESPIRATORY FAILURE; HMN VI; SEVERE INFANTILE AXONAL NEUROPATHY WITH RESPIRATORY FAILURE; SPINAL MUSCULAR ATROPHY, DIAPHRAGMATIC. Identifiers: Orphanet 98920, MedGen C1858517, MONDO:0011436, OMIM 604320.
Charcot-Marie-Tooth disease. Also called: Charcot-Marie-Tooth Hereditary Neuropathy; Charcot-Marie-Tooth Neuropathy. Identifiers: Orphanet 166, MedGen C0007959, MONDO:0015626.

Allele frequency attached by ClinVar (database versions not stated): ESP Exome Variant Server 0.00015; TOPMed 0.00015; gnomAD 0.00016; 1000 Genomes Project 0.00020; 1000 Genomes Project 30x 0.00031.
gnomAD v4.1: 559 of 1,606,292 alleles (0.035%); highest among the groups gnomAD compares: Non-Finnish European, 0.045%; no homozygotes.

Submissions 1 to 11 of 22:

Women's Health and Genetics/Laboratory Corporation of America, LabCorp
Classification: Pathogenic for Charcot-Marie-Tooth disease axonal type 2S. Last evaluated: 2026-03-19. Review status: criteria provided, single submitter. Criteria: LabCorp Variant Classification Summary - May 2015. Collection method: clinical testing. Allele origin: germline.
Comment: Variant summary: IGHMBP2 c.1488C>A (p.Cys496X) results in a premature termination codon, predicted to cause a truncation of the encoded protein or absence of the protein due to nonsense mediated decay, which are commonly known mechanisms for disease. The variant allele was found at a frequency of 0.00016 in 233468 control chromosomes. This frequency is not significantly higher than estimated for disease-causing variants in IGHMBP2, allowing no conclusion about variant significance. c.1488C>A has been reported in the literature in one compound heterozygote affected with Charcot-Marie-Tooth disease type 2B2 (CMT2) (Cottenie_2014) and more frequently in compound heterozygotes and homozygotes affected with spinal muscular atrophy with respiratory distress type 1 (SMARD1)(Grohmann_2003). The following publications have been ascertained in the context of this evaluation (PMID: 25439726, 14681881). ClinVar contains an entry for this variant (Variation ID: 234316). Based on the evidence outlined above, the variant was classified as pathogenic.

PreventionGenetics, part of Exact Sciences
Classification: Pathogenic for IGHMBP2-related condition. Last evaluated: 2026-02-12. Review status: criteria provided, single submitter. Criteria: ACMG Guidelines, 2015. Collection method: clinical testing. Allele origin: germline.
Comment: The IGHMBP2 c.1488C>A variant is predicted to result in premature protein termination (p.Cys496*). This variant has been documented in several unrelated individuals, in the homozygous or compound heterozygous state, to be causative for autosomal recessive spinal muscular atrophy with respiratory distress type 1 (SMARD1; Grohmann et al. 2003. PubMed ID: 14681881; Pitt et al. 2003. PubMed ID: 14506069; Litvinenko et al. 2014. PubMed ID: 23449687). The c.1488C>A (p.Cys496*) variant was also identified in an infant presenting with muscular weakness and severe respiratory distress (Maystadt et al. 2004. PubMed ID: 15108294). In addition, this variant has been reported in the compound heterozygous state in one patient with Charcot-Marie Tooth type 2 (Cottenie et al. 2014. PubMed ID: 25439726). In summary, the c.1488C>A (p.Cys496*) variant is classified as pathogenic.

Labcorp Genetics (formerly Invitae), Labcorp
Classification: Pathogenic for Autosomal recessive distal spinal muscular atrophy 1; Charcot-Marie-Tooth disease axonal type 2S. Last evaluated: 2025-12-21. Review status: criteria provided, single submitter. Criteria: Invitae Variant Classification Sherloc (09022015). Collection method: clinical testing. Allele origin: germline.
Comment: This sequence change creates a premature translational stop signal (p.Cys496*) in the IGHMBP2 gene. It is expected to result in an absent or disrupted protein product. Loss-of-function variants in IGHMBP2 are known to be pathogenic (PMID: 14681881, 25439726, 25568292). This variant is present in population databases (rs145226920, gnomAD 0.03%). This premature translational stop signal has been observed in individuals with spinal muscular atrophy with respiratory distress 1 (SMARD1) (PMID: 14506069, 14681881, 19157874, 23449687, 26257172). ClinVar contains an entry for this variant (Variation ID: 234316). For these reasons, this variant has been classified as Pathogenic.

Dasa
Classification: Pathogenic. Last evaluated: 2025-12-12. Review status: criteria provided, single submitter. Criteria: DASA Assertion Criteria. Collection method: clinical testing. Allele origin: germline.
Comment: NM_002180.3(IGHMBP2):c.1488C>A (p.Cys496*) introduces a premature termination codon predicted to result in loss of normal protein function. Loss-of-function is an established mechanism of disease for this gene. This variant has been reported in individuals with related phenotype (PMID: 26257172). The variant is present at low frequency in population datasets. Based on the available data, this variant is classified as pathogenic.

GeneDx
Classification: Pathogenic. Last evaluated: 2025-08-09. Review status: criteria provided, single submitter. Criteria: GeneDx Variant Classification Process June 2021. Collection method: clinical testing. Allele origin: germline. Affected: yes.
Comment: Nonsense variant predicted to result in protein truncation or nonsense mediated decay in a gene for which loss of function is a known mechanism of disease; This variant is associated with the following publications: (PMID: 23449687, 25439726, 15108294, 25525159, 29431110, 26709713, 31827005, 31589614, 33442022, 32573669, 32376792, 34726235, 31345219, 14681881)

Revvity Omics, Revvity
Classification: Pathogenic. Last evaluated: 2025-07-30. Review status: criteria provided, single submitter. Criteria: ACMG Guidelines, 2015. Collection method: clinical testing. Allele origin: germline.

Variantyx, Inc.
Classification: Pathogenic for Autosomal recessive distal spinal muscular atrophy 1. Last evaluated: 2025-04-25. Review status: criteria provided, single submitter. Criteria: Variantyx Assertion Criteria 2022. Collection method: clinical testing. Allele origin: germline. Inheritance: Autosomal recessive inheritance. Affected: no.
Comment: This is a nonsense variant in the IGHMBP2 gene (OMIM: 600502). Pathogenic variants in this gene have been associated with autosomal recessive distal hereditary motor neuronopathy 1. This variant introduces a premature termination codon in exon 10 out of 15 and is expected to result in loss of function, which is a known disease mechanism for IGHMBP2 in this disorder (PMID: 25439726) (PVS1). It has been identified in the homozygous and compound heterozygous state in at least seven individuals reported in the published literature (PMID: 14581881, 25439726, 14506069, 19157874, 23449687) (PM3_Strong). and has a 0.0446% maximum allele frequency in non-founder control populations (PM2). Based on the current evidence, this variant is classified as pathogenic for autosomal recessive distal hereditary motor neuronopathy 1.

Mayo Clinic Laboratories, Mayo Clinic
Classification: Pathogenic. Last evaluated: 2024-07-15. Review status: criteria provided, single submitter. Criteria: ACMG Guidelines, 2015. Collection method: clinical testing. Allele origin: germline. Observed: 2 variant alleles.
Comment: PM2, PM3, PS4_moderate, PVS1

Fulgent Genetics
Classification: Pathogenic for Autosomal recessive distal spinal muscular atrophy 1; Charcot-Marie-Tooth disease axonal type 2S. Last evaluated: 2024-01-16. Review status: criteria provided, single submitter. Criteria: ACMG Guidelines, 2015. Collection method: clinical testing. Allele origin: germline.

Victorian Clinical Genetics Services, Murdoch Childrens Research Institute
Classification: Pathogenic for Autosomal recessive distal spinal muscular atrophy 1. Last evaluated: 2022-09-02. Review status: criteria provided, single submitter. Criteria: ACMG Guidelines, 2015. Collection method: clinical testing. Allele origin: germline. Inheritance: Autosomal recessive inheritance. Affected: yes.
Comment: Based on the classification scheme VCGS_Germline_v1.3.4, this variant is classified as Pathogenic. Following criteria are met: 0102 - Loss of function is a known mechanism of disease in this gene and is associated with Charcot-Marie-Tooth disease, axonal, type 2S (MIM#616155), and distal hereditary motor neuronopathy, type VI (MIM#604320). (I) 0106 - This gene is associated with autosomal recessive disease. (I) 0201 - Variant is predicted to cause nonsense-mediated decay (NMD) and loss of protein (premature termination codon is located at least 54 nucleotides upstream of the final exon-exon junction). (SP) 0251 - This variant is heterozygous. (I) 0304 - Variant is present in gnomAD (v2) <0.01 for a recessive condition (42 heterozygotes, 0 homozygotes). (SP) 0701 - Other NMD-predicted variants comparable to the one identified in this case have very strong previous evidence for pathogenicity. These variants have been reported many times as pathogenic in individuals with either spinal muscular atrophy with respiratory distress (SMARD) or Charcot-Marie-Tooth (CMT) (DECIPHER). (SP) 0801 - This variant has strong previous evidence of pathogenicity in unrelated individuals. This variant has been reported many times as pathogenic, and has been observed in both compound heterozygous and homozygous individuals with SMARD, and rarely in individuals with CMT (ClinVar, PMID: 25439726, PMID: 30598237). (I) Legend: (SP) - Supporting pathogenic, (I) - Information, (SB) - Supporting benign

Laboratory of Molecular Genetics (Pr. Bezieau's lab), CHU de Nantes
Classification: Pathogenic for Neurodevelopmental disorder. Last evaluated: 2022-06-14. Review status: criteria provided, single submitter. Criteria: ACMG Guidelines, 2015. Collection method: clinical testing. Allele origin: germline. Affected: yes.